The following is an entry in ClinVar:

NM_002180.3(IGHMBP2):c.-28C>A

Gene: IGHMBP2 (immunoglobulin mu DNA binding protein 2; plus strand). Cytogenetic location: 11q13.3.
Variant type: single nucleotide variant.
Coding change: c.-28C>A on transcript NM_002180.3 (MANE Select); 28 bases upstream of the start codon, C replaced by A.
Molecular consequence: 5 prime UTR variant.
Genome position (GRCh38, 1-based): chr11:68,903,925, C>A. VCF-style: chr11-68903925-C-A. GRCh37 (hg19) VCF-style: chr11-68671393-C-A.
Identifiers: ClinVar variation 305828 (VCV000305828.6), dbSNP rs117368938, ClinGen allele CA6153150.

ClinVar aggregate classification (germline): Benign. Review status: criteria provided, multiple submitters, no conflicts (2 of 4 stars). 3 submissions from 3 submitters: Benign (3). Last evaluated 2018-01-13.

Conditions:
Autosomal recessive distal spinal muscular atrophy 1. Also called: HMN VI; NEURONOPATHY, SEVERE INFANTILE AXONAL, WITH RESPIRATORY FAILURE; SEVERE INFANTILE AXONAL NEUROPATHY WITH RESPIRATORY FAILURE; SPINAL MUSCULAR ATROPHY, DIAPHRAGMATIC; Spinal muscular atrophy with respiratory distress 1; NEURONOPATHY, DISTAL HEREDITARY MOTOR, HARDING TYPE VI. Identifiers: Orphanet 98920, MedGen C1858517, MONDO:0011436, OMIM 604320.

Allele frequency attached by ClinVar (database versions not stated): ESP Exome Variant Server 0.00039; gnomAD exomes 0.00088 and 0.00320; gnomAD 0.00135 and 0.00173; TOPMed 0.00190; ExAC 0.00404; 1000 Genomes Project 30x 0.00718; 1000 Genomes Project 0.00799.
gnomAD v4.1: 1,637 of 1,596,750 alleles (0.1%); highest among the groups gnomAD compares: East Asian, 2.8%; 27 homozygotes.

Submissions (3):

Illumina Laboratory Services, Illumina
Classification: Benign for Autosomal recessive distal spinal muscular atrophy 1. Last evaluated: 2018-01-13. Review status: criteria provided, single submitter. Criteria: ICSL Variant Classification Criteria 13 December 2019. Collection method: clinical testing. Allele origin: germline.
Comment: This variant was observed in the ICSL laboratory as part of a predisposition screen in an ostensibly healthy population. It had not been previously curated by ICSL or reported in the Human Gene Mutation Database (HGMD: prior to June 1st, 2018), and was therefore a candidate for classification through an automated scoring system. Utilizing variant allele frequency, disease prevalence and penetrance estimates, and inheritance mode, an automated score was calculated to assess if this variant is too frequent to cause the disease. Based on the score and internal cut-off values, a variant classified as benign is not then subjected to further curation. The score for this variant resulted in a classification of benign for this disease.

GeneDx
Classification: Benign. Last evaluated: 2016-03-12. Review status: criteria provided, single submitter. Criteria: GeneDx Variant Classification (06012015). Collection method: clinical testing. Allele origin: germline. Affected: yes.
Comment: This variant is considered likely benign or benign based on one or more of the following criteria: it is a conservative change, it occurs at a poorly conserved position in the protein, it is predicted to be benign by multiple in silico algorithms, and/or has population frequency not consistent with disease.

Breakthrough Genomics
Classification: Benign. Review status: criteria provided, single submitter. Criteria: ACMG Guidelines, 2015. Collection method: not provided. Allele origin: germline. Inheritance: Autosomal recessive inheritance. Affected: yes.